The following is an entry in ClinVar:

ClinVar aggregate classification (germline): Pathogenic (1 of 4 stars; one submission).

Conditions:
Primary ciliary dyskinesia. Also called: Ciliary dyskinesia. Identifiers: Orphanet 244, MedGen C0008780, MONDO:0016575, HP:0012265.

Submission:

Labcorp Genetics (formerly Invitae), Labcorp
Classification: Pathogenic for Primary ciliary dyskinesia. Last evaluated: 2023-09-12. Review status: criteria provided, single submitter. Criteria: Invitae Variant Classification Sherloc (09022015). Collection method: clinical testing. Allele origin: germline.
Comment: For these reasons, this variant has been classified as Pathogenic. This variant has not been reported in the literature in individuals affected with DNAH11-related conditions. This variant is not present in population databases (gnomAD no frequency). This sequence change creates a premature translational stop signal (p.Gln921Serfs*34) in the DNAH11 gene. It is expected to result in an absent or disrupted protein product. Loss-of-function variants in DNAH11 are known to be pathogenic (PMID: 18022865, 20513915, 22184204).

Literature cited by the submitters: PubMed 18022865; PubMed 20513915; PubMed 22184204.

NM_001277115.2(DNAH11):c.2760dup (p.Gln921fs)

Gene: DNAH11 (dynein axonemal heavy chain 11; plus strand). Cytogenetic location: 7p15.3.
Variant type: Duplication.
Coding change: c.2760dup on transcript NM_001277115.2 (MANE Select); coding-DNA position 2760, one base duplicated (T; older notation c.2760dupT).
Protein change: p.Gln921fs; shifts the reading frame from glutamine 921.
Molecular consequence: frameshift variant.
Genome position (GRCh38, 1-based): chr7:21,599,879, T duplicated; the last of 6 consecutive T bases (chr7:21,599,874-21,599,879); duplicating any one gives the same sequence. VCF-style (leftmost placement, unchanged base first): chr7-21599873-C-CT. GRCh37 (hg19) VCF-style: chr7-21639491-C-CT.
Other names: c.2760dup, p.Gln921Serfs (NM_003777.3); short protein forms Q921fs.
Identifiers: ClinVar variation 2906259 (VCV002906259.3), dbSNP rs2534627646, ClinGen allele CA2516382315.
Genomic context (GRCh38, chr7:21,599,873, plus strand): 5'-TCCCTCTCTGGATACCTGGAAAATTTATGTAGAATTCATTGACGACATTGTGGTGGAAGG[C>CT]TTTTTTCAGGCTATAATGCACGACTTAGACTTCTTTCTGAAGAATACAGAGAAACAATTG-3'